The following is an entry in ClinVar:

NM_001142800.2(EYS):c.3075T>G (p.His1025Gln)

Gene: EYS (eyes shut homolog; minus strand). Cytogenetic location: 6q12.
Variant type: single nucleotide variant.
Coding change: c.3075T>G on transcript NM_001142800.2 (MANE Select); coding-DNA position 3075, T replaced by G.
Protein change: p.His1025Gln; replaces histidine 1025 with glutamine.
Molecular consequence: missense variant.
Genome position (GRCh38, 1-based): chr6:64,822,740, A>C on the plus strand (T>G on the coding strand, the complement: EYS is on the minus strand). VCF-style: chr6-64822740-A-C. GRCh37 (hg19) VCF-style: chr6-65532633-A-C.
Other names: c.3075T>G, p.His1025Gln (NM_001292009.2); short protein forms H1025Q.
Identifiers: ClinVar variation 1049313 (VCV001049313.1), dbSNP rs2150022749, ClinGen allele CA364787801.
Genomic context (GRCh38, chr6:64,822,740, plus strand): 5'-ATCATTGGCGTTTGTTTCACAGTGTGTTCCAAAAAACCCACTCTTGCAGTCACAGGTATA[A>C]TGATTGATGCCATCGATACAAACTCCATCATGGAGACAGGGCTCTGATAGGCATTCATCT-3'
Protein context (NP_001136272.1, residues 1015-1035): HDGVCIDGIN[His1025Gln]YTCDCKSGFF

ClinVar aggregate classification (germline): Uncertain significance (0 of 4 stars; one submission).

Submission:

Department of Pathology and Laboratory Medicine, Sinai Health System
Classification: Uncertain significance. Review status: no assertion criteria provided. Collection method: clinical testing. Allele origin: unknown. Affected: yes. Study: The Canadian Open Genetics Repository (COGR).
Comment: The EYS p.His1025Gln variant was not identified in the literature nor was it identified in dbSNP, ClinVar or in the following control databases: the 1000 Genomes Project, the NHLBI GO Exome Sequencing Project, the Exome Aggregation Consortium (August 8th 2016), or the Genome Aggregation Database (March 6, 2019, v2.1.1). The p.His1025 residue is conserved in mammals but not in more distantly related organisms however computational analyses (PolyPhen-2, SIFT, AlignGVGD, BLOSUM, MutationTaster) do not suggest a high likelihood of impact to the protein; this information is not predictive enough to rule out pathogenicity. The variant occurs outside of the splicing consensus sequence and in silico or computational prediction software programs (SpliceSiteFinder, MaxEntScan, NNSPLICE, GeneSplicer) do not predict a difference in splicing. In summary, based on the above information the clinical significance of this variant cannot be determined with certainty at this time. This variant is classified as a variant of uncertain significance.